The following is an entry in ClinVar:

ClinVar aggregate classification (germline): Likely benign. Review status: criteria provided, multiple submitters, no conflicts (2 of 4 stars). 2 submissions from 2 submitters: Likely benign (2). Last evaluated 2018-06-21.

Allele frequency attached by ClinVar (database versions not stated): gnomAD 0.00001.
gnomAD v4.1: 1 of 1,613,992 alleles (0.000062%); highest among the groups gnomAD compares: African/African-American, 0.0013%; no homozygotes.

Submissions (2):

Labcorp Genetics (formerly Invitae), Labcorp
Classification: Likely benign. Last evaluated: 2018-06-21. Review status: criteria provided, single submitter. Criteria: Invitae Variant Classification Sherloc (09022015). Collection method: clinical testing. Allele origin: germline.

GeneDx
Classification: Likely benign. Last evaluated: 2016-11-22. Review status: criteria provided, single submitter. Criteria: GeneDx Variant Classification (06012015). Collection method: clinical testing. Allele origin: germline. Affected: yes.
Comment: This variant is considered likely benign or benign based on one or more of the following criteria: it is a conservative change, it occurs at a poorly conserved position in the protein, it is predicted to be benign by multiple in silico algorithms, and/or has population frequency not consistent with disease.

NM_006416.5(SLC35A1):c.429A>G (p.Leu143=)

Gene: SLC35A1 (solute carrier family 35 member A1; plus strand). Cytogenetic location: 6q15.
Variant type: single nucleotide variant.
Coding change: c.429A>G on transcript NM_006416.5 (MANE Select); coding-DNA position 429, A replaced by G.
Protein change: p.Leu143=; no amino-acid change (leucine 143 retained).
Molecular consequence: synonymous variant.
Genome position (GRCh38, 1-based): chr6:87,501,232, A>G. VCF-style: chr6-87501232-A-G. GRCh37 (hg19) VCF-style: chr6-88210950-A-G.
Other names: c.429A>G, p.Leu143= (NM_001168398.2).
Identifiers: ClinVar variation 391044 (VCV000391044.4), dbSNP rs1057523952, ClinGen allele CA16605604.